The following is an entry in ClinVar:

ClinVar aggregate classification (germline): Conflicting classifications of pathogenicity. Review status: criteria provided, conflicting classifications (1 of 4 stars). 2 submissions from 2 submitters: Uncertain significance (1); Likely benign (1). Last evaluated 2025-09-05.

gnomAD v4.1: 8,702 of 1,553,554 alleles (0.56%); highest among the groups gnomAD compares: Middle Eastern, 0.79%; 23 homozygotes.

Submissions (2):

Ambry Genetics
Classification: Uncertain significance. Last evaluated: 2025-09-05. Review status: criteria provided, single submitter. Criteria: Ambry Variant Classification Scheme 2023. Collection method: clinical testing. Allele origin: germline.

CeGaT Center for Human Genetics Tuebingen
Classification: Likely benign. Last evaluated: 2024-11-01. Review status: criteria provided, single submitter. Criteria: CeGaT Center For Human Genetics Tuebingen Variant Classification Criteria Version 2. Collection method: clinical testing. Allele origin: germline. Affected: yes. Observed: 1 variant allele.
Comment: LMNTD2: PP3, BS2

NM_173573.3(LMNTD2):c.1325C>T (p.Pro442Leu)

Gene: LMNTD2 (lamin tail domain containing 2; minus strand). Cytogenetic location: 11p15.5.
Variant type: single nucleotide variant.
Coding change: c.1325C>T on transcript NM_173573.3 (MANE Select); coding-DNA position 1325, C replaced by T.
Protein change: p.Pro442Leu; replaces proline 442 with leucine.
Molecular consequence: missense variant.
Genome position (GRCh38, 1-based): chr11:556,048, G>A on the plus strand (C>T on the coding strand, the complement: LMNTD2 is on the minus strand). VCF-style: chr11-556048-G-A. GRCh37 (hg19) VCF-style: chr11-556048-G-A.
Other names: c.1325C>T (NM_173573.2); short protein forms P442L.
Identifiers: ClinVar variation 3388061 (VCV003388061.15).
Genomic context (GRCh38, chr11:556,048, plus strand): 5'-GCACCGACCTCGCCCTTGGGGCTCAGGAGCAGCGTCGCGCAGCCGCGGATGGAGAGGAGG[G>A]GAACGGGCTCCCGGCTCGAGGACGCGCGCAGCGGCTTCTTGGCGCTGCGGGTCGCCTCGC-3'
Protein context (NP_775844.2, residues 432-452): LRASSSREPV[Pro442Leu]LLSIRGCATL